The following is an entry in ClinVar:

NM_024422.6(DSC2):c.176C>T (p.Thr59Ile)

Gene: DSC2 (desmocollin 2; minus strand). Cytogenetic location: 18q12.1.
Variant type: single nucleotide variant.
Coding change: c.176C>T on transcript NM_024422.6 (MANE Select); coding-DNA position 176, C replaced by T.
Protein change: p.Thr59Ile; replaces threonine 59 with isoleucine.
Molecular consequence: missense variant.
Genome position (GRCh38, 1-based): chr18:31,092,279, G>A on the plus strand (C>T on the coding strand, the complement: DSC2 is on the minus strand). VCF-style: chr18-31092279-G-A. GRCh37 (hg19) VCF-style: chr18-28672242-G-A.
Other names: c.-254C>T (NM_001406506.1, NM_001406507.1); c.176C>T, p.Thr59Ile (NM_004949.5); c.176C>T (NM_024422.4); short protein forms T59I.
Identifiers: ClinVar variation 1779765 (VCV001779765.4), dbSNP rs544457730, ClinGen allele CA033196.

ClinVar aggregate classification (germline): Conflicting classifications of pathogenicity. Review status: criteria provided, conflicting classifications (1 of 4 stars). 3 submissions from 3 submitters: Uncertain significance (1); Likely benign (2). Last evaluated 2025-07-09.

Conditions:
Cardiovascular phenotype. Identifiers: MedGen CN230736.
Cardiomyopathy (CMYO). Also called: Cardiomyopathies. Identifiers: Orphanet 167848, MedGen C0878544, MONDO:0004994, HP:0001638. Inheritance: Various modes of inheritance.

Allele frequency attached by ClinVar (database versions not stated): TOPMed 0.00002; 1000 Genomes Project 0.00020; gnomAD exomes below 0.00001; ExAC 0.00002; 1000 Genomes Project 30x 0.00016; gnomAD 0.00001.
gnomAD v4.1: 4 of 1,613,554 alleles (0.00025%); highest among the groups gnomAD compares: African/African-American, 0.004%; no homozygotes.

Submissions (3):

Color Diagnostics, LLC DBA Color Health
Classification: Likely benign for Cardiomyopathy. Last evaluated: 2025-07-09. Review status: criteria provided, single submitter. Criteria: ACMG Guidelines, 2015. Collection method: clinical testing. Allele origin: germline.

Molecular Diagnostic Laboratory for Inherited Cardiovascular Disease, Montreal Heart Institute
Classification: Likely benign. Last evaluated: 2025-04-09. Review status: criteria provided, single submitter. Criteria: ACMG Guidelines, 2015. Collection method: clinical testing. Allele origin: germline. Affected: no.
Comment: PM2, BP4

Ambry Genetics
Classification: Uncertain significance for Cardiovascular phenotype. Last evaluated: 2022-05-02. Review status: criteria provided, single submitter. Criteria: Ambry Variant Classification Scheme 2023. Collection method: clinical testing. Allele origin: germline.
Comment: The p.T59I variant (also known as c.176C>T), located in coding exon 3 of the DSC2 gene, results from a C to T substitution at nucleotide position 176. The threonine at codon 59 is replaced by isoleucine, an amino acid with similar properties. This amino acid position is conserved. In addition, this alteration is predicted to be tolerated by in silico analysis. Since supporting evidence is limited at this time, the clinical significance of this alteration remains unclear.